The following is an entry in ClinVar:

NM_021072.4(HCN1):c.2528G>A (p.Arg843Gln)

Gene: HCN1 (hyperpolarization activated cyclic nucleotide gated potassium channel 1; minus strand). Cytogenetic location: 5p12.
Variant type: single nucleotide variant.
Coding change: c.2528G>A on transcript NM_021072.4 (MANE Select); coding-DNA position 2528, G replaced by A.
Protein change: p.Arg843Gln; replaces arginine 843 with glutamine.
Molecular consequence: missense variant.
Genome position (GRCh38, 1-based): chr5:45,262,066, C>T on the plus strand (G>A on the coding strand, the complement: HCN1 is on the minus strand). VCF-style: chr5-45262066-C-T. GRCh37 (hg19) VCF-style: chr5-45262168-C-T.
Other names: short protein forms R843Q.
Identifiers: ClinVar variation 3023396 (VCV003023396.3), dbSNP rs1373191177, ClinGen allele CA359703165.

ClinVar aggregate classification (germline): Uncertain significance (1 of 4 stars; one submission).

Conditions:
Early-infantile DEE. Also called: Early infantile epileptic encephalopathy with suppression bursts; Early infantile epileptic encephalopathy; Ohtahara syndrome. Identifiers: Orphanet 1934, MedGen C0393706, MONDO:0800491.

Allele frequency attached by ClinVar (database versions not stated): TOPMed below 0.00001; gnomAD exomes below 0.00001.
gnomAD v4.1: 2 of 1,613,820 alleles (0.00012%); highest among the groups gnomAD compares: Non-Finnish European, 0.000085%; no homozygotes.

Submission:

Labcorp Genetics (formerly Invitae), Labcorp
Classification: Uncertain significance for Early-infantile DEE. Last evaluated: 2023-05-25. Review status: criteria provided, single submitter. Criteria: Invitae Variant Classification Sherloc (09022015). Collection method: clinical testing. Allele origin: germline.
Comment: In summary, the available evidence is currently insufficient to determine the role of this variant in disease. Therefore, it has been classified as a Variant of Uncertain Significance. Advanced modeling of protein sequence and biophysical properties (such as structural, functional, and spatial information, amino acid conservation, physicochemical variation, residue mobility, and thermodynamic stability) performed at Invitae indicates that this missense variant is not expected to disrupt HCN1 protein function. This variant has not been reported in the literature in individuals affected with HCN1-related conditions. This variant is present in population databases (no rsID available, gnomAD 0.0009%). This sequence change replaces arginine, which is basic and polar, with glutamine, which is neutral and polar, at codon 843 of the HCN1 protein (p.Arg843Gln).